The following is an entry in ClinVar:

NM_014946.4(SPAST):c.277T>G (p.Ser93Ala)

Gene: SPAST (spastin; plus strand). Cytogenetic location: 2p22.3.
Variant type: single nucleotide variant.
Coding change: c.277T>G on transcript NM_014946.4 (MANE Select); coding-DNA position 277, T replaced by G.
Protein change: p.Ser93Ala; replaces serine 93 with alanine.
Molecular consequence: missense variant.
Genome position (GRCh38, 1-based): chr2:32,064,108, T>G. VCF-style: chr2-32064108-T-G. GRCh37 (hg19) VCF-style: chr2-32289177-T-G.
Other names: c.277T>G, p.Ser93Ala (NM_001363823.2, NM_001363875.2, NM_001377959.1 and 1 more transcripts); short protein forms S93A.
Identifiers: ClinVar variation 2201521 (VCV002201521.4), dbSNP rs1156801351, ClinGen allele CA346602080.

ClinVar aggregate classification (germline): Uncertain significance (1 of 4 stars; one submission).

Conditions:
Hereditary spastic paraplegia 4. Also called: Familial spastic paraplegia autosomal dominant 2; Spastic paraplegia 4, autosomal dominant; Spastic Paraplegia 4. Identifiers: Orphanet 100985, MedGen C1866855, MONDO:0008438, OMIM 182601.

Allele frequency attached by ClinVar (database versions not stated): TOPMed below 0.00001; gnomAD 0.00002.
gnomAD v4.1: 7 of 1,602,500 alleles (0.00044%); highest among the groups gnomAD compares: African/African-American, 0.0054%; no homozygotes.

Submission:

Labcorp Genetics (formerly Invitae), Labcorp
Classification: Uncertain significance for Hereditary spastic paraplegia 4. Last evaluated: 2025-10-02. Review status: criteria provided, single submitter. Criteria: Invitae Variant Classification Sherloc (09022015). Collection method: clinical testing. Allele origin: germline.
Comment: This sequence change replaces serine, which is neutral and polar, with alanine, which is neutral and non-polar, at codon 93 of the SPAST protein (p.Ser93Ala). This variant is present in population databases (no rsID available, gnomAD 0.008%). This variant has not been reported in the literature in individuals affected with SPAST-related conditions. ClinVar contains an entry for this variant (Variation ID: 2201521). Invitae Evidence Modeling of protein sequence and biophysical properties (such as structural, functional, and spatial information, amino acid conservation, physicochemical variation, residue mobility, and thermodynamic stability) indicates that this missense variant is not expected to disrupt SPAST protein function with a negative predictive value of 95%. In summary, the available evidence is currently insufficient to determine the role of this variant in disease. Therefore, it has been classified as a Variant of Uncertain Significance.